The following is an entry in ClinVar:

ClinVar aggregate classification (germline): Uncertain significance (1 of 4 stars; one submission).

Submission:

GeneDx
Classification: Uncertain significance. Last evaluated: 2023-02-23. Review status: criteria provided, single submitter. Criteria: GeneDx Variant Classification Process June 2021. Collection method: clinical testing. Allele origin: germline. Affected: yes.
Comment: Not observed at significant frequency in large population cohorts (gnomAD); In silico analysis supports that this missense variant does not alter protein structure/function; Has not been previously published as pathogenic or benign to our knowledge

NM_020795.4(NLGN2):c.2273C>A (p.Ala758Asp)

Gene: NLGN2 (neuroligin 2; plus strand). Cytogenetic location: 17p13.1.
Variant type: single nucleotide variant.
Coding change: c.2273C>A on transcript NM_020795.4 (MANE Select); coding-DNA position 2273, C replaced by A.
Protein change: p.Ala758Asp; replaces alanine 758 with aspartic acid.
Molecular consequence: missense variant.
Genome position (GRCh38, 1-based): chr17:7,417,564, C>A. VCF-style: chr17-7417564-C-A. GRCh37 (hg19) VCF-style: chr17-7320883-C-A.
Other names: short protein forms A758D.
Identifiers: ClinVar variation 2577631 (VCV002577631.1), dbSNP rs2507755722, ClinGen allele CA397835433.